The following is an entry in ClinVar:

ClinVar aggregate classification (germline): Pathogenic/Likely pathogenic. Review status: criteria provided, multiple submitters, no conflicts (2 of 4 stars). 3 submissions from 3 submitters: Pathogenic (1); Likely pathogenic (2). Last evaluated 2023-07-11.

Conditions:
Charlevoix-Saguenay spastic ataxia (SACS). Also called: SPASTIC ATAXIA 6, AUTOSOMAL RECESSIVE; Spastic ataxia of Charlevoix-Saguenay; AUTOSOMAL RECESSIVE SPASTIC ATAXIA OF CHARLEVOIX-SAGUENAY. Identifiers: Orphanet 98, MedGen C1849140, MONDO:0010041, OMIM 270550.
Spastic paraplegia. Identifiers: MedGen C0037772, HP:0001258.

Submissions (3):

Labcorp Genetics (formerly Invitae), Labcorp
Classification: Pathogenic for Spastic paraplegia. Last evaluated: 2023-07-11. Review status: criteria provided, single submitter. Criteria: Invitae Variant Classification Sherloc (09022015). Collection method: clinical testing. Allele origin: germline.
Comment: For these reasons, this variant has been classified as Pathogenic. This variant disrupts a region of the SACS protein in which other variant(s) (p.Asn4549Asp, p.Glu4510Argfs*4) have been determined to be pathogenic (PMID: 15156359, 21507954, 29915382). This suggests that this is a clinically significant region of the protein, and that variants that disrupt it are likely to be disease-causing. ClinVar contains an entry for this variant (Variation ID: 1071138). This variant has not been reported in the literature in individuals affected with SACS-related conditions. This variant is not present in population databases (gnomAD no frequency). This sequence change creates a premature translational stop signal (p.Leu3714*) in the SACS gene. While this is not anticipated to result in nonsense mediated decay, it is expected to disrupt the last 866 amino acid(s) of the SACS protein.

Women's Health and Genetics/Laboratory Corporation of America, LabCorp
Classification: Likely pathogenic for Charlevoix-Saguenay spastic ataxia. Last evaluated: 2022-11-17. Review status: criteria provided, single submitter. Criteria: LabCorp Variant Classification Summary - May 2015. Collection method: clinical testing. Allele origin: germline.
Comment: Variant summary: SACS c.11136delA (p.Leu3714X) results in a premature termination codon, predicted to cause a truncation of the encoded protein or absence of the protein due to nonsense mediated decay, which are commonly known mechanisms for disease. Truncations downstream of this position have been classified as pathogenic by our laboratory and associated with Spastic Ataxia of Charlevoix-Saguenay in HGMD. The variant was absent in 251180 control chromosomes. To our knowledge, no occurrence of c.11136delA in individuals affected with Autosomal Recessive Spastic Ataxia Of Charlevoix-Saguenay and no experimental evidence demonstrating its impact on protein function have been reported. One clinical diagnostic laboratory has submitted clinical-significance assessments for this variant to ClinVar after 2014 without evidence for independent evaluation. One laboratory classified the variant as pathogenic. Based on the evidence outlined above, the variant was classified as likely pathogenic.

Baylor Genetics
Classification: Likely pathogenic for Charlevoix-Saguenay spastic ataxia. Last evaluated: 2022-01-21. Review status: criteria provided, single submitter. Criteria: ACMG Guidelines, 2015. Collection method: clinical testing. Allele origin: unknown.

Literature cited by the submitters: PubMed 15156359 (cited by Labcorp Genetics (formerly Invitae), Labcorp); PubMed 21507954 (cited by Labcorp Genetics (formerly Invitae), Labcorp); PubMed 29915382 (cited by Labcorp Genetics (formerly Invitae), Labcorp).

NM_014363.6(SACS):c.11136del (p.Pro3713_Leu3714insTer)

Gene: SACS (sacsin molecular chaperone; minus strand). Cytogenetic location: 13q12.12.
Variant type: Deletion.
Coding change: c.11136del on transcript NM_014363.6 (MANE Select); coding-DNA position 11136, one base deleted (A; older notation c.11136delA).
Protein change: p.Pro3713_Leu3714insTer.
Molecular consequence: frameshift variant.
Genome position (GRCh38, 1-based): chr13:23,332,740, T deleted on the plus strand (A on the coding strand, the reverse complement: SACS is on the minus strand). VCF-style (leftmost placement, unchanged base first): chr13-23332739-GT-G. GRCh37 (hg19) VCF-style: chr13-23906878-GT-G.
Other names: c.10695del, p.Pro3566_Leu3567insTer (NM_001278055.2).
Identifiers: ClinVar variation 1071138 (VCV001071138.11), dbSNP rs2137569225, ClinGen allele CA2499221974.